The following is an entry in ClinVar:

NM_002485.5(NBN):c.1477A>C (p.Thr493Pro)

Gene: NBN (nibrin; minus strand). Cytogenetic location: 8q21.3.
Variant type: single nucleotide variant.
Coding change: c.1477A>C on transcript NM_002485.5 (MANE Select); coding-DNA position 1477, A replaced by C.
Protein change: p.Thr493Pro; replaces threonine 493 with proline.
Molecular consequence: missense variant.
Genome position (GRCh38, 1-based): chr8:89,953,612, T>G on the plus strand (A>C on the coding strand, the complement: NBN is on the minus strand). VCF-style: chr8-89953612-T-G. GRCh37 (hg19) VCF-style: chr8-90965840-T-G.
Other names: c.1231A>C, p.Thr411Pro (NM_001024688.3, NM_001440379.1, NM_001440380.1); short protein forms T411P, T493P.
Identifiers: ClinVar variation 5025369 (VCV005025369.1).

ClinVar aggregate classification (germline): Uncertain significance (1 of 4 stars; one submission).

Conditions:
Hereditary cancer-predisposing syndrome. Also called: Neoplastic Syndromes, Hereditary; Tumor predisposition; Hereditary neoplastic syndrome; Hereditary Cancer Syndrome. Identifiers: Orphanet 140162, MedGen C0027672, MeSH D009386, MONDO:0015356.

Submission:

Ambry Genetics
Classification: Uncertain significance for Hereditary cancer-predisposing syndrome. Last evaluated: 2026-07-01. Review status: criteria provided, single submitter. Criteria: Ambry Variant Classification Scheme 2023. Collection method: clinical testing. Allele origin: germline.
Comment: The p.T493P variant (also known as c.1477A>C), located in coding exon 11 of the NBN gene, results from an A to C substitution at nucleotide position 1477. The threonine at codon 493 is replaced by proline, an amino acid with highly similar properties. This amino acid position is conserved. In addition, this alteration is predicted to be tolerated by in silico analysis. Based on the available evidence, the clinical significance of this variant remains unclear.